The following is an entry in ClinVar:

ClinVar aggregate classification (germline): Uncertain significance. Review status: criteria provided, multiple submitters, no conflicts (2 of 4 stars). 4 submissions from 4 submitters: Uncertain significance (4). Last evaluated 2026-08-14.

Conditions:
Catecholaminergic polymorphic ventricular tachycardia (CVPT). Also called: Catecholamine-induced polymorphic ventricular tachycardia. Identifiers: Orphanet 3286, MedGen C5574922, MONDO:0017990.
Catecholaminergic polymorphic ventricular tachycardia 1. Also called: RYR2-Related Catecholaminergic Polymorphic Ventricular Tachycardia; VENTRICULAR TACHYCARDIA, STRESS-INDUCED POLYMORPHIC 1; VENTRICULAR TACHYCARDIA, CATECHOLAMINERGIC POLYMORPHIC, 1, WITH OR WITHOUT ATRIAL DYSFUNCTION AND/OR DILATED CARDIOMYOPATHY. Identifiers: Orphanet 3286, MedGen C1631597, MONDO:0011484, OMIM 604772.
Cardiovascular phenotype. Identifiers: MedGen CN230736.

gnomAD v4.1: 2 of 1,613,644 alleles (0.00012%); highest among the groups gnomAD compares: African/African-American, 0.0013%; no homozygotes.

Submissions (4):

Ambry Genetics
Classification: Uncertain significance for Cardiovascular phenotype. Last evaluated: 2026-08-14. Review status: criteria provided, single submitter. Criteria: Ambry Variant Classification Scheme 2023. Collection method: clinical testing. Allele origin: germline.
Comment: The p.A4556S variant (also known as c.13666G>T), located in coding exon 94 of the RYR2 gene, results from a G to T substitution at nucleotide position 13666. The alanine at codon 4556 is replaced by serine, an amino acid with similar properties. This amino acid position is not well conserved in available vertebrate species. In addition, this alteration is predicted to be tolerated by in silico analysis. Based on the available evidence, the clinical significance of this variant remains unclear.

All of Us Research Program, National Institutes of Health
Classification: Uncertain significance for Catecholaminergic polymorphic ventricular tachycardia. Last evaluated: 2023-08-08. Review status: criteria provided, single submitter. Criteria: ACMG Guidelines, 2015. Collection method: clinical testing. Allele origin: germline. Inheritance: Autosomal dominant inheritance. Observed: 1 variant allele, 1 heterozygote.
Comment: This missense variant replaces alanine with serine at codon 4556 of the RYR2 protein. Computational prediction suggests that this variant may not impact protein structure and function (internally defined REVEL score threshold <= 0.5, PMID: 27666373). To our knowledge, functional studies have not been reported for this variant. This variant has not been reported in individuals affected with RYR2-related disorders in the literature. This variant has not been identified in the general population by the Genome Aggregation Database (gnomAD). The available evidence is insufficient to determine the role of this variant in disease conclusively. Therefore, this variant is classified as a Variant of Uncertain Significance.

This study involves interpretation of variants in research participants for the purpose of population health screening. Participant phenotype was not available at the time of variant classification. Additional details can be found in publication PMID: 35346344, PMCID: PMC8962531

Labcorp Genetics (formerly Invitae), Labcorp
Classification: Uncertain significance for Catecholaminergic polymorphic ventricular tachycardia 1. Last evaluated: 2023-03-30. Review status: criteria provided, single submitter. Criteria: Invitae Variant Classification Sherloc (09022015). Collection method: clinical testing. Allele origin: germline.
Comment: In summary, the available evidence is currently insufficient to determine the role of this variant in disease. Therefore, it has been classified as a Variant of Uncertain Significance. Advanced modeling of protein sequence and biophysical properties (such as structural, functional, and spatial information, amino acid conservation, physicochemical variation, residue mobility, and thermodynamic stability) performed at Invitae indicates that this missense variant is not expected to disrupt RYR2 protein function. ClinVar contains an entry for this variant (Variation ID: 452756). This variant has not been reported in the literature in individuals affected with RYR2-related conditions. This variant is not present in population databases (gnomAD no frequency). This sequence change replaces alanine, which is neutral and non-polar, with serine, which is neutral and polar, at codon 4556 of the RYR2 protein (p.Ala4556Ser).

GeneDx
Classification: Uncertain significance. Last evaluated: 2017-10-12. Review status: criteria provided, single submitter. Criteria: GeneDx Variant Classification (06012015). Collection method: clinical testing. Allele origin: germline. Affected: yes.
Comment: The A4556S variant in the RYR2 gene has not been reported previously as a pathogenic variant, nor as a benign variant, to our knowledge. The A4556S variant is not observed in large population cohorts (Lek et al., 2016). The A4556S variant is a non-conservative amino acid substitution, which is likely to impact secondary protein structure as these residues differ in polarity, charge, size and/or other properties. This substitution occurs at a position that is not conserved, and in silico analysis is inconsistent in its predictions as to whether or not the variant is damaging to the protein structure/function. We interpret A4556S as a variant of uncertain significance.

NM_001035.3(RYR2):c.13666G>T (p.Ala4556Ser)

Gene: RYR2 (ryanodine receptor 2; plus strand). Cytogenetic location: 1q43.
Variant type: single nucleotide variant.
Coding change: c.13666G>T on transcript NM_001035.3 (MANE Select); coding-DNA position 13666, G replaced by T.
Protein change: p.Ala4556Ser; replaces alanine 4556 with serine.
Molecular consequence: missense variant.
Genome position (GRCh38, 1-based): chr1:237,792,207, G>T. VCF-style: chr1-237792207-G-T. GRCh37 (hg19) VCF-style: chr1-237955507-G-T.
Other names: c.13666G>T, p.Ala4556Ser (LRG_402t1); short protein forms A4556S.
Identifiers: ClinVar variation 452756 (VCV000452756.11), dbSNP rs189345192, ClinGen allele CA345417474.